The following is an entry in ClinVar:

NM_000051.4(ATM):c.77A>G (p.Glu26Gly)

Gene: ATM (ATM serine/threonine kinase; plus strand). Cytogenetic location: 11q22.3.
Variant type: single nucleotide variant.
Coding change: c.77A>G on transcript NM_000051.4 (MANE Select); coding-DNA position 77, A replaced by G.
Protein change: p.Glu26Gly; replaces glutamic acid 26 with glycine.
Molecular consequence: missense variant.
Genome position (GRCh38, 1-based): chr11:108,227,780, A>G. VCF-style: chr11-108227780-A-G. GRCh37 (hg19) VCF-style: chr11-108098507-A-G.
Other names: c.77A>G, p.Glu26Gly (NM_001351834.2, NM_001351835.2, NM_001351836.2); short protein forms E26G.
Identifiers: ClinVar variation 453704 (VCV000453704.6), dbSNP rs1555054052, ClinGen allele CA382519490.
Genomic context (GRCh38, chr11:108,227,780, plus strand): 5'-TTTTCCTTGAAATAAGTGTGATTAGTAACCCATTATTATTTCCTTTTTATTTTCAGAAAG[A>G]AGTTGAGAAATTTAAGCGCCTGATTCGAGATCCTGAAACAATTAAACATCTAGATCGGCA-3'
Protein context (NP_000042.3, residues 16-36): EHDRATERKK[Glu26Gly]VEKFKRLIRD

ClinVar aggregate classification (germline): Uncertain significance. Review status: criteria provided, multiple submitters, no conflicts (2 of 4 stars). 2 submissions from 2 submitters: Uncertain significance (2). Last evaluated 2025-09-02.

Conditions:
Hereditary cancer-predisposing syndrome. Also called: Tumor predisposition; Hereditary Cancer Syndrome; Neoplastic Syndromes, Hereditary; Hereditary neoplastic syndrome. Identifiers: Orphanet 140162, MedGen C0027672, MeSH D009386, MONDO:0015356.
Ataxia-telangiectasia syndrome (AT). Also called: Cerebello-oculocutaneous telangiectasia; Immunodeficiency with ataxia telangiectasia; Ataxia-telangiectasia, complementation group D; AT, COMPLEMENTATION GROUP C; Ataxia-telangiectasia, complementation group E; LOUIS-BAR SYNDROME. Identifiers: Orphanet 100, MedGen C0004135, MONDO:0008840, OMIM 208900.

Submissions (2):

Labcorp Genetics (formerly Invitae), Labcorp
Classification: Uncertain significance for Ataxia-telangiectasia syndrome. Last evaluated: 2025-09-02. Review status: criteria provided, single submitter. Criteria: Invitae Variant Classification Sherloc (09022015). Collection method: clinical testing. Allele origin: germline.
Comment: This sequence change replaces glutamic acid, which is acidic and polar, with glycine, which is neutral and non-polar, at codon 26 of the ATM protein (p.Glu26Gly). This variant is not present in population databases (gnomAD no frequency). This variant has not been reported in the literature in individuals affected with ATM-related conditions. ClinVar contains an entry for this variant (Variation ID: 453704). Invitae Evidence Modeling of protein sequence and biophysical properties (such as structural, functional, and spatial information, amino acid conservation, physicochemical variation, residue mobility, and thermodynamic stability) indicates that this missense variant is not expected to disrupt ATM protein function with a negative predictive value of 95%. In summary, the available evidence is currently insufficient to determine the role of this variant in disease. Therefore, it has been classified as a Variant of Uncertain Significance.

Ambry Genetics
Classification: Uncertain significance for Hereditary cancer-predisposing syndrome. Last evaluated: 2024-03-11. Review status: criteria provided, single submitter. Criteria: Ambry Variant Classification Scheme 2023. Collection method: clinical testing. Allele origin: germline.
Comment: The p.E26G variant (also known as c.77A>G), located in coding exon 2 of the ATM gene, results from an A to G substitution at nucleotide position 77. The glutamic acid at codon 26 is replaced by glycine, an amino acid with similar properties. This amino acid position is highly conserved in available vertebrate species. In addition, this alteration is predicted to be tolerated by in silico analysis. Based on the available evidence, the clinical significance of this alteration remains unclear.